The following is an entry in ClinVar:

ClinVar aggregate classification (germline): Pathogenic/Likely pathogenic. Review status: criteria provided, multiple submitters, no conflicts (2 of 4 stars). 3 submissions from 3 submitters: Pathogenic (2); Likely pathogenic (1). Last evaluated 2026-01-22.

Conditions:
MYO15A-related disorder. Also called: MYO15A-related condition.

Allele frequency attached by ClinVar (database versions not stated): gnomAD exomes below 0.00001 and 0.00001; ExAC 0.00001; TOPMed 0.00001.

Submissions (3):

GeneDx
Classification: Pathogenic. Last evaluated: 2026-01-22. Review status: criteria provided, single submitter. Criteria: GeneDx Variant Classification Process June 2021. Collection method: clinical testing. Allele origin: germline. Affected: yes.
Comment: Frameshift variant predicted to result in protein truncation or nonsense mediated decay in a gene for which loss of function is a known mechanism of disease; Reported with a second MYO15A variant in two siblings with nonsyndromic hearing loss (PMID: 35440622); This variant is associated with the following publications: (PMID: 35440622, 27535533, 36147510)

Labcorp Genetics (formerly Invitae), Labcorp
Classification: Pathogenic. Last evaluated: 2024-12-16. Review status: criteria provided, single submitter. Criteria: Invitae Variant Classification Sherloc (09022015). Collection method: clinical testing. Allele origin: germline.
Comment: This sequence change creates a premature translational stop signal (p.Trp2689Glyfs*49) in the MYO15A gene. It is expected to result in an absent or disrupted protein product. Loss-of-function variants in MYO15A are known to be pathogenic (PMID: 17546645). This variant is present in population databases (rs755180092, gnomAD 0.01%). This variant has not been reported in the literature in individuals affected with MYO15A-related conditions. ClinVar contains an entry for this variant (Variation ID: 1197880). For these reasons, this variant has been classified as Pathogenic.

Blueprint Genetics
Classification: Likely pathogenic for MYO15A-related disorders. Last evaluated: 2020-04-20. Review status: criteria provided, single submitter. Criteria: ACMG Guidelines, 2015. Collection method: clinical testing. Allele origin: germline. Affected: yes. Observed: 1 variant allele.

Literature cited by the submitters: PubMed 17546645 (cited by Labcorp Genetics (formerly Invitae), Labcorp).

NM_016239.4(MYO15A):c.8065del (p.Trp2689fs)

Gene: MYO15A (myosin XVA; plus strand). Cytogenetic location: 17p11.2.
Variant type: Deletion.
Coding change: c.8065del on transcript NM_016239.4 (MANE Select); coding-DNA position 8065, one base deleted (T; older notation c.8065delT).
Protein change: p.Trp2689fs; shifts the reading frame from tryptophan 2689.
Molecular consequence: frameshift variant.
Genome position (GRCh38, 1-based): chr17:18,153,873, T deleted. VCF-style (leftmost placement, unchanged base first): chr17-18153872-CT-C. GRCh37 (hg19) VCF-style: chr17-18057186-CT-C.
Other names: c.8065delT (NM_016239.3); c.8065del (NM_016239.3); short protein forms W2689fs.
Identifiers: ClinVar variation 1197880 (VCV001197880.12), dbSNP rs755180092, ClinGen allele CA8425008.